The following is an entry in ClinVar:

ClinVar aggregate classification (germline): Uncertain significance (1 of 4 stars; one submission).

Conditions:
Dilated cardiomyopathy 1W (CMD1W). Identifiers: Orphanet 154, MedGen C1969639, MONDO:0012667, OMIM 611407.

Allele frequency attached by ClinVar (database versions not stated): ExAC 0.00001; gnomAD exomes 0.00001.
gnomAD v4.1: 4 of 1,614,208 alleles (0.00025%); highest among the groups gnomAD compares: South Asian, 0.0044%; no homozygotes.

Submission:

Labcorp Genetics (formerly Invitae), Labcorp
Classification: Uncertain significance for Dilated cardiomyopathy 1W. Last evaluated: 2023-11-03. Review status: criteria provided, single submitter. Criteria: Invitae Variant Classification Sherloc (09022015). Collection method: clinical testing. Allele origin: germline.
Comment: This sequence change replaces glutamic acid, which is acidic and polar, with glycine, which is neutral and non-polar, at codon 235 of the VCL protein (p.Glu235Gly). This variant is present in population databases (rs778383501, gnomAD 0.01%). This variant has not been reported in the literature in individuals affected with VCL-related conditions. An algorithm developed to predict the effect of missense changes on protein structure and function (PolyPhen-2) suggests that this variant¬¨‚Ä†is likely to be tolerated. In summary, the available evidence is currently insufficient to determine the role of this variant in disease. Therefore, it has been classified as a Variant of Uncertain Significance.

NM_014000.3(VCL):c.704A>G (p.Glu235Gly)

Gene: VCL (vinculin; plus strand). Cytogenetic location: 10q22.2.
Variant type: single nucleotide variant.
Coding change: c.704A>G on transcript NM_014000.3 (MANE Select); coding-DNA position 704, A replaced by G.
Protein change: p.Glu235Gly; replaces glutamic acid 235 with glycine.
Molecular consequence: missense variant.
Genome position (GRCh38, 1-based): chr10:74,074,824, A>G. VCF-style: chr10-74074824-A-G. GRCh37 (hg19) VCF-style: chr10-75834582-A-G.
Other names: c.704A>G, p.Glu235Gly (NM_003373.4); short protein forms E235G.
Identifiers: ClinVar variation 2993853 (VCV002993853.2), dbSNP rs778383501, ClinGen allele CA5562837.